The following is an entry in ClinVar:

NM_000059.4(BRCA2):c.5210A>G (p.Asp1737Gly)

Gene: BRCA2 (BRCA2 DNA repair associated; plus strand). Cytogenetic location: 13q13.1.
Variant type: single nucleotide variant.
Coding change: c.5210A>G on transcript NM_000059.4 (MANE Select); coding-DNA position 5210, A replaced by G.
Protein change: p.Asp1737Gly; replaces aspartic acid 1737 with glycine.
Molecular consequence: missense variant.
Genome position (GRCh38, 1-based): chr13:32,339,565, A>G. VCF-style: chr13-32339565-A-G. GRCh37 (hg19) VCF-style: chr13-32913702-A-G.
Other names: short protein forms D1737G.
Identifiers: ClinVar variation 825552 (VCV000825552.15), dbSNP rs587778120, ClinGen allele CA387784615.

ClinVar aggregate classification (germline): Conflicting classifications of pathogenicity. Review status: criteria provided, conflicting classifications (1 of 4 stars). 3 submissions from 3 submitters: Uncertain significance (2); Likely benign (1). Last evaluated 2023-03-23.

Conditions:
Hereditary breast ovarian cancer syndrome. Also called: Hereditary breast and ovarian cancer syndrome; Hereditary breast and ovarian cancer; Hereditary breast and ovarian cancer syndrome (HBOC); Breast and ovarian cancer; Hereditary breast and/or ovarian cancer syndrome; BRCA1- and BRCA2-Associated Hereditary Breast and Ovarian Cancer. Identifiers: Orphanet 145, MedGen C0677776, MeSH D061325, MONDO:0003582. Disease mechanism: loss of function.
Hereditary cancer-predisposing syndrome. Also called: Neoplastic Syndromes, Hereditary; Tumor predisposition; Hereditary neoplastic syndrome; Hereditary Cancer Syndrome. Identifiers: Orphanet 140162, MedGen C0027672, MeSH D009386, MONDO:0015356.

Submissions (3):

University of Washington Department of Laboratory Medicine, University of Washington
Classification: Likely benign for Hereditary cancer-predisposing syndrome. Last evaluated: 2023-03-23. Review status: criteria provided, single submitter. Criteria: Dines et al. (Genet Med. 2020). Collection method: curation. Allele origin: germline.
Comment: Missense variant in a coldspot region where missense variants are very unlikely to be pathogenic (PMID:31911673).

BRCA2 exon 11 coldspot. Reclassification based on statistical prior probability.

Labcorp Genetics (formerly Invitae), Labcorp
Classification: Uncertain significance for Hereditary breast ovarian cancer syndrome. Last evaluated: 2019-12-11. Review status: criteria provided, single submitter. Criteria: Invitae Variant Classification Sherloc (09022015). Collection method: clinical testing. Allele origin: germline.
Comment: Algorithms developed to predict the effect of sequence changes on RNA splicing suggest that this variant may create or strengthen a splice site, but this prediction has not been confirmed by published transcriptional studies. In summary, the available evidence is currently insufficient to determine the role of this variant in disease. Therefore, it has been classified as a Variant of Uncertain Significance. Algorithms developed to predict the effect of missense changes on protein structure and function output the following: SIFT: "Tolerated"; PolyPhen-2: "Benign"; Align-GVGD: "Class C0". The glycine amino acid residue is found in multiple mammalian species, suggesting that this missense change does not adversely affect protein function. These predictions have not been confirmed by published functional studies and their clinical significance is uncertain. This variant has not been reported in the literature in individuals with BRCA2-related conditions. This variant is not present in population databases (ExAC no frequency). This sequence change replaces aspartic acid with glycine at codon 1737 of the BRCA2 protein (p.Asp1737Gly). The aspartic acid residue is moderately conserved and there is a moderate physicochemical difference between aspartic acid and glycine.

Ambry Genetics
Classification: Uncertain significance for Hereditary cancer-predisposing syndrome. Last evaluated: 2019-03-01. Review status: criteria provided, single submitter. Criteria: Ambry Variant Classification Scheme 2023. Collection method: clinical testing. Allele origin: germline.
Comment: The p.D1737G variant (also known as c.5210A>G), located in coding exon 10 of the BRCA2 gene, results from an A to G substitution at nucleotide position 5210. The aspartic acid at codon 1737 is replaced by glycine, an amino acid with similar properties. This amino acid position is poorly conserved in available vertebrate species. In addition, this alteration is predicted to be tolerated by in silico analysis. Since supporting evidence is limited at this time, the clinical significance of this alteration remains unclear.